The following is an entry in ClinVar:

NM_014254.3(RXYLT1):c.251G>C (p.Ser84Thr)

Gene: RXYLT1 (ribitol xylosyltransferase 1; plus strand). Cytogenetic location: 12q14.2.
Variant type: single nucleotide variant.
Coding change: c.251G>C on transcript NM_014254.3 (MANE Select); coding-DNA position 251, G replaced by C.
Protein change: p.Ser84Thr; replaces serine 84 with threonine.
Molecular consequence: missense variant. On other transcripts: 5 prime UTR variant (1).
Genome position (GRCh38, 1-based): chr12:63,781,100, G>C. VCF-style: chr12-63781100-G-C. GRCh37 (hg19) VCF-style: chr12-64174880-G-C.
Other names: c.-530G>C (NM_001278237.2); short protein forms S84T.
Identifiers: ClinVar variation 2002439 (VCV002002439.4), dbSNP rs758007661, ClinGen allele CA385584271.

ClinVar aggregate classification (germline): Uncertain significance (1 of 4 stars; one submission).

Submission:

Labcorp Genetics (formerly Invitae), Labcorp
Classification: Uncertain significance. Last evaluated: 2022-06-04. Review status: criteria provided, single submitter. Criteria: Invitae Variant Classification Sherloc (09022015). Collection method: clinical testing. Allele origin: germline.
Comment: Algorithms developed to predict the effect of missense changes on protein structure and function (SIFT, PolyPhen-2, Align-GVGD) all suggest that this variant is likely to be tolerated. This sequence change replaces serine, which is neutral and polar, with threonine, which is neutral and polar, at codon 84 of the RXYLT1 protein (p.Ser84Thr). This variant is not present in population databases (gnomAD no frequency). This variant has not been reported in the literature in individuals affected with RXYLT1-related conditions. In summary, the available evidence is currently insufficient to determine the role of this variant in disease. Therefore, it has been classified as a Variant of Uncertain Significance.